The following is an entry in ClinVar:

NM_000642.3(AGL):c.1165A>T (p.Ile389Phe)

Gene: AGL (amylo-alpha-1,6-glucosidase and 4-alpha-glucanotransferase; plus strand). Cytogenetic location: 1p21.2.
Variant type: single nucleotide variant.
Coding change: c.1165A>T on transcript NM_000642.3 (MANE Select); coding-DNA position 1165, A replaced by T.
Protein change: p.Ile389Phe; replaces isoleucine 389 with phenylalanine.
Molecular consequence: missense variant.
Genome position (GRCh38, 1-based): chr1:99,875,236, A>T. VCF-style: chr1-99875236-A-T. GRCh37 (hg19) VCF-style: chr1-100340792-A-T.
Other names: c.1165A>T (NM_000642.2); c.1165A>T, p.Ile389Phe (NM_000028.3, NM_000643.3, NM_000644.3 and 2 more transcripts); c.1117A>T, p.Ile373Phe (NM_000646.3); c.961A>T, p.Ile321Phe (NM_001425328.1, NM_001425329.1); c.787A>T, p.Ile263Phe (NM_001425332.1); short protein forms I373F, I389F, I263F, I321F.
Identifiers: ClinVar variation 1002645 (VCV001002645.9), dbSNP rs140002583, ClinGen allele CA27574044.

ClinVar aggregate classification (germline): Uncertain significance. Review status: criteria provided, multiple submitters, no conflicts (2 of 4 stars). 4 submissions from 4 submitters: Uncertain significance (3). 1 of the submissions does not count toward it. Last evaluated 2023-04-11.

Conditions:
Inborn genetic diseases. Identifiers: MedGen C0950123, MeSH D030342.
Glycogen storage disease type III (GSD3). Also called: Cori disease; FORBES DISEASE. Identifiers: Orphanet 366, MedGen C0017922, MONDO:0009291, OMIM 232400.

Allele frequency attached by ClinVar (database versions not stated): gnomAD exomes below 0.00001 and 0.00001; gnomAD 0.00004; ESP Exome Variant Server 0.00008; TOPMed 0.00007.
gnomAD v4.1: 12 of 1,613,954 alleles (0.00074%); highest among the groups gnomAD compares: African/African-American, 0.016%; no homozygotes.

Submissions (4):

Genome-Nilou Lab
Classification: Uncertain significance for Glycogen storage disease type III. Last evaluated: 2023-04-11. Review status: criteria provided, single submitter. Criteria: ACMG Guidelines, 2015. Collection method: clinical testing. Allele origin: germline. Affected: no.

Labcorp Genetics (formerly Invitae), Labcorp
Classification: Uncertain significance for Glycogen storage disease type III. Last evaluated: 2022-05-04. Review status: criteria provided, single submitter. Criteria: Invitae Variant Classification Sherloc (09022015). Collection method: clinical testing. Allele origin: germline.
Comment: This sequence change replaces isoleucine, which is neutral and non-polar, with phenylalanine, which is neutral and non-polar, at codon 389 of the AGL protein (p.Ile389Phe). This variant is present in population databases (rs140002583, gnomAD 0.01%). This variant has not been reported in the literature in individuals affected with AGL-related conditions. ClinVar contains an entry for this variant (Variation ID: 1002645). Algorithms developed to predict the effect of missense changes on protein structure and function (SIFT, PolyPhen-2, Align-GVGD) all suggest that this variant is likely to be tolerated. In summary, the available evidence is currently insufficient to determine the role of this variant in disease. Therefore, it has been classified as a Variant of Uncertain Significance.

Ambry Genetics
Classification: Uncertain significance for Inborn genetic diseases. Last evaluated: 2021-06-30. Review status: criteria provided, single submitter. Criteria: Ambry Variant Classification Scheme 2023. Collection method: clinical testing. Allele origin: germline.

Natera, Inc.
Classification: Uncertain significance for Glycogen storage disease type III. Last evaluated: 2020-04-20. Review status: no assertion criteria provided. Collection method: clinical testing. Allele origin: germline. Not counted in ClinVar's aggregate classification.